The following is an entry in ClinVar:

ClinVar aggregate classification (germline): Uncertain significance. Review status: criteria provided, multiple submitters, no conflicts (2 of 4 stars). 2 submissions from 2 submitters: Uncertain significance (2). Last evaluated 2025-10-09.

Conditions:
Hereditary cancer-predisposing syndrome. Also called: Hereditary neoplastic syndrome; Tumor predisposition; Neoplastic Syndromes, Hereditary; Hereditary Cancer Syndrome. Identifiers: Orphanet 140162, MedGen C0027672, MeSH D009386, MONDO:0015356.

Allele frequency attached by ClinVar (database versions not stated): gnomAD exomes below 0.00001; ExAC 0.00001.
gnomAD v4.1: 1 of 1,614,090 alleles (0.000062%); highest among the groups gnomAD compares: Non-Finnish European, 0.000085%; no homozygotes.

Submissions (2):

Ambry Genetics
Classification: Uncertain significance for Hereditary cancer-predisposing syndrome. Last evaluated: 2025-10-09. Review status: criteria provided, single submitter. Criteria: Ambry Variant Classification Scheme 2023. Collection method: clinical testing. Allele origin: germline.
Comment: The p.R86T variant (also known as c.257G>C), located in coding exon 2 of the MSH3 gene, results from a G to C substitution at nucleotide position 257. The arginine at codon 86 is replaced by threonine, an amino acid with similar properties. This amino acid position is conserved. In addition, this alteration is predicted to be tolerated by in silico analysis. Based on the available evidence, the clinical significance of this variant remains unclear.

Labcorp Genetics (formerly Invitae), Labcorp
Classification: Uncertain significance. Last evaluated: 2022-11-30. Review status: criteria provided, single submitter. Criteria: Invitae Variant Classification Sherloc (09022015). Collection method: clinical testing. Allele origin: germline.
Comment: In summary, the available evidence is currently insufficient to determine the role of this variant in disease. Therefore, it has been classified as a Variant of Uncertain Significance. Algorithms developed to predict the effect of missense changes on protein structure and function (SIFT, PolyPhen-2, Align-GVGD) all suggest that this variant is likely to be tolerated. ClinVar contains an entry for this variant (Variation ID: 656376). This variant has not been reported in the literature in individuals affected with MSH3-related conditions. This variant is present in population databases (rs748099353, gnomAD 0.0009%). This sequence change replaces arginine, which is basic and polar, with threonine, which is neutral and polar, at codon 86 of the MSH3 protein (p.Arg86Thr).

NM_002439.5(MSH3):c.257G>C (p.Arg86Thr)

Gene: MSH3 (mutS homolog 3; plus strand). Cytogenetic location: 5q14.1.
Variant type: single nucleotide variant.
Coding change: c.257G>C on transcript NM_002439.5 (MANE Select); coding-DNA position 257, G replaced by C.
Protein change: p.Arg86Thr; replaces arginine 86 with threonine.
Molecular consequence: missense variant.
Genome position (GRCh38, 1-based): chr5:80,656,430, G>C. VCF-style: chr5-80656430-G-C. GRCh37 (hg19) VCF-style: chr5-79952249-G-C.
Other names: c.257G>C (NM_002439.3); short protein forms R86T.
Identifiers: ClinVar variation 656376 (VCV000656376.11), dbSNP rs748099353, ClinGen allele CA3327553.